The following is an entry in ClinVar:

ClinVar aggregate classification (germline): Benign (0 of 4 stars; one submission).

Conditions:
GRAMD1B-related disorder. Also called: GRAMD1B-related condition.

Allele frequency attached by ClinVar (database versions not stated): 1000 Genomes Project 30x 0.26811; 1000 Genomes Project 0.26937; TOPMed 0.27292; gnomAD 0.27959; ESP Exome Variant Server 0.28851; gnomAD exomes 0.31754; ExAC 0.32809.
gnomAD v4.1: 505,236 of 1,611,422 alleles (31%); highest among the groups gnomAD compares: South Asian, 40%; 81,245 homozygotes.

Submission:

PreventionGenetics, part of Exact Sciences
Classification: Benign for GRAMD1B-related condition. Last evaluated: 2019-10-21. Review status: no assertion criteria provided. Collection method: clinical testing. Allele origin: germline.
Comment: This variant is classified as benign based on ACMG/AMP sequence variant interpretation guidelines (Richards et al. 2015 PMID: 25741868, with internal and published modifications).

NM_001387025.1(GRAMD1B):c.1359G>A (p.Glu453=)

Gene: GRAMD1B (GRAM domain containing 1B; plus strand). Cytogenetic location: 11q24.1.
Variant type: single nucleotide variant.
Coding change: c.1359G>A on transcript NM_001387025.1 (MANE Select); coding-DNA position 1359, G replaced by A.
Protein change: p.Glu453=; no amino-acid change (glutamic acid 453 retained).
Molecular consequence: synonymous variant.
Genome position (GRCh38, 1-based): chr11:123,606,644, G>A. VCF-style: chr11-123606644-G-A. GRCh37 (hg19) VCF-style: chr11-123477352-G-A.
Other names: c.951G>A, p.Glu317= (NM_001286563.3); c.810G>A, p.Glu270= (NM_001286564.3, NM_001330396.3, NM_001387030.1 and 5 more transcripts); c.1011G>A, p.Glu337= (NM_001367418.2, NM_001367419.2, NM_001367420.2); c.1227G>A, p.Glu409= (NM_001367421.2); c.1359G>A, p.Glu453= (NM_001387024.1); c.1356G>A, p.Glu452= (NM_001387026.1); c.930G>A, p.Glu310= (NM_001387028.1, NM_001387029.1, NM_020716.4).
Identifiers: ClinVar variation 3061028 (VCV003061028.2), dbSNP rs2279519, ClinGen allele CA6333578.